The following is an entry in ClinVar:

NM_001244008.2(KIF1A):c.1270G>A (p.Ala424Thr)

Gene: KIF1A (kinesin family member 1A; minus strand). Cytogenetic location: 2q37.3.
Variant type: single nucleotide variant.
Coding change: c.1270G>A on transcript NM_001244008.2 (MANE Select); coding-DNA position 1270, G replaced by A.
Protein change: p.Ala424Thr; replaces alanine 424 with threonine.
Molecular consequence: missense variant.
Genome position (GRCh38, 1-based): chr2:240,771,042, C>T on the plus strand (G>A on the coding strand, the complement: KIF1A is on the minus strand). VCF-style: chr2-240771042-C-T. GRCh37 (hg19) VCF-style: chr2-241710459-C-T.
Other names: c.1270G>A, p.Ala424Thr (NM_001320705.2, NM_001330289.2, NM_001379638.1); c.1345G>A, p.Ala449Thr (NM_001330290.2, NM_001379631.1, NM_001379634.1 and 2 more transcripts); c.1243G>A, p.Ala415Thr (NM_001379632.1, NM_001379633.1, NM_001379636.1 and 10 more transcripts); c.1318G>A, p.Ala440Thr (NM_001379637.1, NM_001379648.1); short protein forms A415T, A424T, A440T, A449T.
Identifiers: ClinVar variation 1300713 (VCV001300713.10), dbSNP rs749112240, ClinGen allele CA2208462.

ClinVar aggregate classification (germline): Conflicting classifications of pathogenicity. Review status: criteria provided, conflicting classifications (1 of 4 stars). 2 submissions from 2 submitters: Uncertain significance (1); Likely benign (1). Last evaluated 2026-01-19.

Conditions:
Neuropathy, hereditary sensory, type 2C. Also called: KIF1A-Related HSAN2 (HSAN2C); Hereditary sensory and autonomic neuropathy type IIC. Identifiers: Orphanet 970, MedGen C3280168, MONDO:0013634, OMIM 614213.
Intellectual disability, autosomal dominant 9 (NESCAVS). Also called: KIF1A-Related Neurodevelopmental Disorder; NESCAV SYNDROME. Identifiers: Orphanet 662367, MedGen C5393830, MONDO:0013656, OMIM 614255.
Hereditary spastic paraplegia 30. Identifiers: Orphanet 101010, MedGen C5235139, MONDO:0012476.

Allele frequency attached by ClinVar (database versions not stated): gnomAD 0.00001; TOPMed 0.00003; gnomAD exomes 0.00007 and 0.00014; ExAC 0.00012.
gnomAD v4.1: 41 of 1,613,156 alleles (0.0025%); highest among the groups gnomAD compares: Admixed American, 0.067%; no homozygotes.

Submissions (2):

Labcorp Genetics (formerly Invitae), Labcorp
Classification: Likely benign for Hereditary spastic paraplegia 30; Neuropathy, hereditary sensory, type 2C; Intellectual disability, autosomal dominant 9. Last evaluated: 2026-01-19. Review status: criteria provided, single submitter. Criteria: Invitae Variant Classification Sherloc (09022015). Collection method: clinical testing. Allele origin: germline.

GeneDx
Classification: Uncertain significance. Last evaluated: 2022-05-05. Review status: criteria provided, single submitter. Criteria: GeneDx Variant Classification Process June 2021. Collection method: clinical testing. Allele origin: germline. Affected: yes.
Comment: In silico analysis supports that this missense variant does not alter protein structure/function; Has not been previously published as pathogenic or benign to our knowledge